The following is an entry in ClinVar:

NM_007186.6(CEP250):c.6073G>A (p.Glu2025Lys)

Gene: CEP250 (centrosomal protein 250; plus strand). Cytogenetic location: 20q11.22.
Variant type: single nucleotide variant.
Coding change: c.6073G>A on transcript NM_007186.6 (MANE Select); coding-DNA position 6073, G replaced by A.
Protein change: p.Glu2025Lys; replaces glutamic acid 2025 with lysine.
Molecular consequence: missense variant.
Genome position (GRCh38, 1-based): chr20:35,504,442, G>A. VCF-style: chr20-35504442-G-A. GRCh37 (hg19) VCF-style: chr20-34092270-G-A.
Other names: c.4177G>A, p.Glu1393Lys (NM_001318219.1); c.6073G>A (NM_007186.3); short protein forms E1393K, E2025K.
Identifiers: ClinVar variation 1375520 (VCV001375520.7), dbSNP rs1422976842, ClinGen allele CA408755862.

ClinVar aggregate classification (germline): Uncertain significance. Review status: criteria provided, multiple submitters, no conflicts (2 of 4 stars). 2 submissions from 2 submitters: Uncertain significance (2). Last evaluated 2024-01-30.

Allele frequency attached by ClinVar (database versions not stated): gnomAD exomes below 0.00001.
gnomAD v4.1: 1 of 1,611,634 alleles (0.000062%); no homozygotes.

Submissions (2):

Ambry Genetics
Classification: Uncertain significance. Last evaluated: 2024-01-30. Review status: criteria provided, single submitter. Criteria: Ambry Variant Classification Scheme 2023. Collection method: clinical testing. Allele origin: germline.

Labcorp Genetics (formerly Invitae), Labcorp
Classification: Uncertain significance. Last evaluated: 2021-11-12. Review status: criteria provided, single submitter. Criteria: Invitae Variant Classification Sherloc (09022015). Collection method: clinical testing. Allele origin: germline.
Comment: In summary, the available evidence is currently insufficient to determine the role of this variant in disease. Therefore, it has been classified as a Variant of Uncertain Significance. Algorithms developed to predict the effect of missense changes on protein structure and function are either unavailable or do not agree on the potential impact of this missense change (SIFT: "Not Available"; PolyPhen-2: "Probably Damaging"; Align-GVGD: "Not Available"). This variant has not been reported in the literature in individuals affected with CEP250-related conditions. This variant is present in population databases (no rsID available, gnomAD 0.005%). This sequence change replaces glutamic acid, which is acidic and polar, with lysine, which is basic and polar, at codon 2025 of the CEP250 protein (p.Glu2025Lys).